The following is an entry in ClinVar:

NM_017950.4(CCDC40):c.1561A>G (p.Arg521Gly)

Gene: CCDC40 (coiled-coil domain 40 molecular ruler complex subunit; plus strand). Cytogenetic location: 17q25.3.
Variant type: single nucleotide variant.
Coding change: c.1561A>G on transcript NM_017950.4 (MANE Select); coding-DNA position 1561, A replaced by G.
Protein change: p.Arg521Gly; replaces arginine 521 with glycine.
Molecular consequence: missense variant.
Genome position (GRCh38, 1-based): chr17:80,065,605, A>G. VCF-style: chr17-80065605-A-G. GRCh37 (hg19) VCF-style: chr17-78039404-A-G.
Other names: c.1561A>G, p.Arg521Gly (NM_001243342.2); c.1561A>G, p.Ser521Gly (NM_001330508.2); short protein forms S521G, R521G.
Identifiers: ClinVar variation 962004 (VCV000962004.10), dbSNP rs2038024808, ClinGen allele CA401327431.

ClinVar aggregate classification (germline): Uncertain significance (1 of 4 stars; one submission).

Conditions:
Primary ciliary dyskinesia. Also called: Ciliary dyskinesia. Identifiers: Orphanet 244, MedGen C0008780, MONDO:0016575, HP:0012265.

Allele frequency attached by ClinVar (database versions not stated): gnomAD exomes below 0.00001.
gnomAD v4.1: 1 of 1,612,244 alleles (0.000062%); highest among the groups gnomAD compares: Non-Finnish European, 0.000085%; no homozygotes.

Submission:

Labcorp Genetics (formerly Invitae), Labcorp
Classification: Uncertain significance for Primary ciliary dyskinesia. Last evaluated: 2019-07-29. Review status: criteria provided, single submitter. Criteria: Invitae Variant Classification Sherloc (09022015). Collection method: clinical testing. Allele origin: germline.
Comment: This sequence change replaces arginine with glycine at codon 521 of the CCDC40 protein (p.Arg521Gly). The arginine residue is moderately conserved and there is a moderate physicochemical difference between arginine and glycine. This variant is not present in population databases (ExAC no frequency). This variant has not been reported in the literature in individuals with CCDC40-related conditions. Algorithms developed to predict the effect of missense changes on protein structure and function are either unavailable or do not agree on the potential impact of this missense change (SIFT: "Deleterious"; PolyPhen-2: "Benign"; Align-GVGD: "Class C0"). Algorithms developed to predict the effect of sequence changes on RNA splicing suggest that this variant may disrupt the consensus splice site, but this prediction has not been confirmed by published transcriptional studies. In summary, the available evidence is currently insufficient to determine the role of this variant in disease. Therefore, it has been classified as a Variant of Uncertain Significance.